The following is an entry in ClinVar:

NM_001148.6(ANK2):c.11229A>C (p.Gln3743His)

Gene: ANK2 (ankyrin 2; plus strand). Cytogenetic location: 4q26.
Variant type: single nucleotide variant.
Coding change: c.11229A>C on transcript NM_001148.6 (MANE Select); coding-DNA position 11229, A replaced by C.
Protein change: p.Gln3743His; replaces glutamine 3743 with histidine.
Molecular consequence: missense variant.
Genome position (GRCh38, 1-based): chr4:113,367,762, A>C. VCF-style: chr4-113367762-A-C. GRCh37 (hg19) VCF-style: chr4-114288918-A-C.
Other names: c.4947A>C, p.Gln1649His (NM_001127493.3); c.4986A>C, p.Gln1662His (NM_001354225.2); c.4875A>C, p.Gln1625His (NM_001354228.2, NM_001354258.2); c.4953A>C, p.Gln1651His (NM_001354230.2); c.5016A>C, p.Gln1672His (NM_001354231.2, NM_001354242.2); c.5010A>C, p.Gln1670His (NM_001354232.2); c.4971A>C, p.Gln1657His (NM_001354235.2, NM_001354246.2, NM_001354265.2); c.4872A>C, p.Gln1624His (NM_001354236.2); and 35 more; short protein forms Q1563H, Q1580H, Q1583H, Q1592H, Q1613H, Q1624H, Q1625H, Q1670H.
Identifiers: ClinVar variation 1798050 (VCV001798050.2), dbSNP rs786205738, ClinGen allele CA357942243.

ClinVar aggregate classification (germline): Uncertain significance (1 of 4 stars; one submission).

Conditions:
Cardiovascular phenotype. Identifiers: MedGen CN230736.

Submission:

Ambry Genetics
Classification: Uncertain significance for Cardiovascular phenotype. Last evaluated: 2020-08-25. Review status: criteria provided, single submitter. Criteria: Ambry Variant Classification Scheme 2023. Collection method: clinical testing. Allele origin: germline.
Comment: The p.Q3743H variant (also known as c.11229A>C), located in coding exon 42 of the ANK2 gene, results from an A to C substitution at nucleotide position 11229. The glutamine at codon 3743 is replaced by histidine, an amino acid with highly similar properties. This amino acid position is well conserved in available vertebrate species. In addition, the in silico prediction for this alteration is inconclusive. Since supporting evidence is limited at this time, the clinical significance of this alteration remains unclear.